The following is an entry in ClinVar:

NM_001080517.3(SETD5):c.740del (p.Pro247fs)

Gene: SETD5 (SET domain containing 5; plus strand). Cytogenetic location: 3p25.3.
Variant type: Deletion.
Coding change: c.740del on transcript NM_001080517.3 (MANE Select); coding-DNA position 740, one base deleted (C; older notation c.740delC).
Protein change: p.Pro247fs; shifts the reading frame from proline 247.
Molecular consequence: frameshift variant.
Genome position (GRCh38, 1-based): chr3:9,440,628, C deleted; the last of 2 consecutive C bases (chr3:9,440,627-9,440,628); deleting either gives the same sequence. VCF-style (leftmost placement, unchanged base first): chr3-9440626-AC-A. GRCh37 (hg19) VCF-style: chr3-9482310-AC-A.
Other names: c.446del, p.Pro149fs (NM_001292043.2, NM_001349451.2); short protein forms P149fs, P247fs.
Identifiers: ClinVar variation 3358956 (VCV003358956.2).

ClinVar aggregate classification (germline): Likely pathogenic (1 of 4 stars; one submission).

Conditions:
Intellectual disability-facial dysmorphism syndrome due to SETD5 haploinsufficiency (MRD23). Also called: Intellectual developmental disorder, autosomal dominant 23. Identifiers: Orphanet 404440, MedGen C3810406, MONDO:0014336, OMIM 615761.

Submission:

Institute of Human Genetics, University of Leipzig Medical Center
Classification: Likely pathogenic for Intellectual disability-facial dysmorphism syndrome due to SETD5 haploinsufficiency. Last evaluated: 2024-04-23. Review status: criteria provided, single submitter. Criteria: ACMG Guidelines, 2015. Collection method: clinical testing. Allele origin: unknown. Inheritance: Autosomal dominant inheritance. Affected: yes.
Comment: Criteria applied: PVS1,PM2_SUP